The following is an entry in ClinVar:

ClinVar aggregate classification (germline): Pathogenic. Review status: criteria provided, multiple submitters, no conflicts (2 of 4 stars). 2 submissions from 2 submitters: Pathogenic (2). Last evaluated 2024-08-10.

Conditions:
Hereditary cancer-predisposing syndrome. Also called: Neoplastic Syndromes, Hereditary; Hereditary neoplastic syndrome; Tumor predisposition; Hereditary Cancer Syndrome. Identifiers: Orphanet 140162, MedGen C0027672, MeSH D009386, MONDO:0015356.
Cardiovascular phenotype. Identifiers: MedGen CN230736.
Neurofibromatosis, type 1 (NF1). Also called: Peripheral type neurofibromatosis; Neurofibromatosis, type I; VON RECKLINGHAUSEN DISEASE; NEUROFIBROMATOSIS, TYPE I, SOMATIC. Identifiers: Orphanet 636, MedGen C0027831, MONDO:0018975, OMIM 162200. Disease mechanism: loss of function.

Submissions (2):

Ambry Genetics
Classification: Pathogenic for Cardiovascular phenotype; Hereditary cancer-predisposing syndrome. Last evaluated: 2024-08-10. Review status: criteria provided, single submitter. Criteria: Ambry Variant Classification Scheme 2023. Collection method: clinical testing. Allele origin: germline.
Comment: The c.2728_2729delGG pathogenic mutation, located in coding exon 21 of the NF1 gene, results from a deletion of two nucleotides at nucleotide positions 2728 to 2729, causing a translational frameshift with a predicted alternate stop codon (p.G910Tfs*8). This alteration was identified in an individual diagnosed with neurofibromatosis type 1 (NF1) (Wang X et al. Genes Chromosomes Cancer, 2018 Jan;57:19-27). This variant is considered to be rare based on population cohorts in the Genome Aggregation Database (gnomAD). In addition to the clinical data presented in the literature, this alteration is expected to result in loss of function by premature protein truncation or nonsense-mediated mRNA decay. As such, this alteration is interpreted as a disease-causing mutation.

Labcorp Genetics (formerly Invitae), Labcorp
Classification: Pathogenic for Neurofibromatosis, type 1. Last evaluated: 2023-05-08. Review status: criteria provided, single submitter. Criteria: Invitae Variant Classification Sherloc (09022015). Collection method: clinical testing. Allele origin: germline.
Comment: For these reasons, this variant has been classified as Pathogenic. ClinVar contains an entry for this variant (Variation ID: 836581). This premature translational stop signal has been observed in individual(s) with neurofibromatosis type 1 (PMID: 28891274). This variant is not present in population databases (gnomAD no frequency). This sequence change creates a premature translational stop signal (p.Gly910Thrfs*8) in the NF1 gene. It is expected to result in an absent or disrupted protein product. Loss-of-function variants in NF1 are known to be pathogenic (PMID: 10712197, 23913538).

Literature cited by the submitters: PubMed 28891274 (cited by Ambry Genetics and Labcorp Genetics (formerly Invitae), Labcorp); PubMed 10712197 (cited by Labcorp Genetics (formerly Invitae), Labcorp); PubMed 23913538 (cited by Labcorp Genetics (formerly Invitae), Labcorp).

NM_001042492.3(NF1):c.2728_2729del (p.Gly910fs)

Gene: NF1 (neurofibromin 1; plus strand). Cytogenetic location: 17q11.2.
Variant type: Deletion.
Coding change: c.2728_2729del on transcript NM_001042492.3 (MANE Select); coding-DNA positions 2728 to 2729, 2 bases deleted (GG; older notation c.2728_2729delGG).
Protein change: p.Gly910fs; shifts the reading frame from glycine 910.
Molecular consequence: frameshift variant.
Genome position (GRCh38, 1-based): chr17:31,229,343-31,229,344, GG deleted; deleting any 2 consecutive bases within chr17:31,229,342-31,229,344 gives the same sequence; the c. name uses the placement nearest the transcript's 3' end. VCF-style (leftmost placement, unchanged base first): chr17-31229341-TGG-T. GRCh37 (hg19) VCF-style: chr17-29556359-TGG-T.
Other names: c.2728_2729delGG, p.Gly910Thrfs (NM_000267.4); c.2728_2729delGG (NM_000267.3); short protein forms G910fs.
Identifiers: ClinVar variation 836581 (VCV000836581.7), dbSNP rs1555614313, ClinGen allele CA916080627.